The following is an entry in ClinVar:

ClinVar aggregate classification (germline): Uncertain significance (1 of 4 stars; one submission).

Conditions:
Cardiovascular phenotype. Identifiers: MedGen CN230736.

gnomAD v4.1: 2 of 1,614,166 alleles (0.00012%); highest among the groups gnomAD compares: South Asian, 0.0011%; no homozygotes.

Submission:

Ambry Genetics
Classification: Uncertain significance for Cardiovascular phenotype. Last evaluated: 2025-09-04. Review status: criteria provided, single submitter. Criteria: Ambry Variant Classification Scheme 2023. Collection method: clinical testing. Allele origin: germline.
Comment: The p.E2721D variant (also known as c.8163G>T), located in coding exon 24 of the DSP gene, results from a G to T substitution at nucleotide position 8163. The glutamic acid at codon 2721 is replaced by aspartic acid, an amino acid with highly similar properties. This amino acid position is conserved. In addition, the in silico prediction for this alteration is inconclusive. Based on the available evidence, the clinical significance of this variant remains unclear.

NM_004415.4(DSP):c.8163G>T (p.Glu2721Asp)

Gene: DSP (desmoplakin; plus strand). Cytogenetic location: 6p24.3.
Variant type: single nucleotide variant.
Coding change: c.8163G>T on transcript NM_004415.4 (MANE Select); coding-DNA position 8163, G replaced by T.
Protein change: p.Glu2721Asp; replaces glutamic acid 2721 with aspartic acid.
Molecular consequence: missense variant.
Genome position (GRCh38, 1-based): chr6:7,585,425, G>T. VCF-style: chr6-7585425-G-T. GRCh37 (hg19) VCF-style: chr6-7585658-G-T.
Other names: c.6366G>T, p.Glu2122Asp (NM_001008844.3); c.6834G>T, p.Glu2278Asp (NM_001319034.2); short protein forms E2122D, E2278D, E2721D.
Identifiers: ClinVar variation 4245124 (VCV004245124.1).